The following is an entry in ClinVar:

ClinVar aggregate classification (germline): Uncertain significance (1 of 4 stars; one submission).

Submission:

Women's Health and Genetics/Laboratory Corporation of America, LabCorp
Classification: Uncertain significance. Last evaluated: 2025-01-16. Review status: criteria provided, single submitter. Criteria: LabCorp Variant Classification Summary - May 2015. Collection method: clinical testing. Allele origin: germline.
Comment: Variant summary: DDC c.782-3T>A alters a non-conserved nucleotide located close to a canonical splice site and therefore could affect mRNA splicing, leading to a significantly altered protein sequence. Several computational tools predict a significant impact on normal splicing: Three predict the variant abolishes a 3' acceptor site. However, these predictions have yet to be confirmed by functional studies. The variant was absent in 247320 control chromosomes. The available data on variant occurrences in the general population are insufficient to allow any conclusion about variant significance. c.782-3T>A has been reported in the literature in the compound heterozygous state in at least one individual affected with Deficiency Of Aromatic-L-Amino-Acid Decarboxylase (Pearson_2021). These report(s) do not provide unequivocal conclusions about association of the variant with Deficiency Of Aromatic-L-Amino-Acid Decarboxylase. To our knowledge, no experimental evidence demonstrating an impact on protein function has been reported. The following publication have been ascertained in the context of this evaluation (PMID: 34253733). No submitters have cited clinical-significance assessments for this variant to ClinVar. Based on the evidence outlined above, the variant was classified as uncertain significance.

Literature cited by the submitters: PubMed 34253733.

NM_001082971.2(DDC):c.782-3T>A

Gene: DDC (dopa decarboxylase; minus strand). Cytogenetic location: 7p12.2.
Variant type: single nucleotide variant.
Coding change: c.782-3T>A on transcript NM_001082971.2 (MANE Select); 3 bases into the intron before coding-DNA position 782, T replaced by A.
Molecular consequence: intron variant.
Genome position (GRCh38, 1-based): chr7:50,499,245, A>T on the plus strand (T>A on the coding strand, the complement: DDC is on the minus strand). VCF-style: chr7-50499245-A-T. GRCh37 (hg19) VCF-style: chr7-50566943-A-T.
Other names: c.548-3T>A (NM_001242888.2); c.668-3T>A (NM_001242886.2); c.503-3T>A (NM_001242889.2); c.638-3T>A (NM_001242887.2); c.782-3T>A (NM_000790.4, NM_001242890.2).
Identifiers: ClinVar variation 3769561 (VCV003769561.2).